The following is an entry in ClinVar:

ClinVar aggregate classification (germline): Pathogenic (1 of 4 stars; one submission).

Submission:

Labcorp Genetics (formerly Invitae), Labcorp
Classification: Pathogenic. Last evaluated: 2023-10-20. Review status: criteria provided, single submitter. Criteria: Invitae Variant Classification Sherloc (09022015). Collection method: clinical testing. Allele origin: germline.
Comment: This sequence change creates a premature translational stop signal (p.Ser7*) in the USH2A gene. It is expected to result in an absent or disrupted protein product. Loss-of-function variants in USH2A are known to be pathogenic (PMID: 10729113, 10909849, 20507924, 25649381). This variant is not present in population databases (gnomAD no frequency). This variant has not been reported in the literature in individuals affected with USH2A-related conditions. For these reasons, this variant has been classified as Pathogenic.

Literature cited by the submitters: PubMed 10729113; PubMed 10909849; PubMed 20507924; PubMed 25649381.

NM_206933.4(USH2A):c.20C>G (p.Ser7Ter)

Gene: USH2A (usherin; minus strand). Cytogenetic location: 1q41.
Variant type: single nucleotide variant.
Coding change: c.20C>G on transcript NM_206933.4 (MANE Select); coding-DNA position 20, C replaced by G.
Protein change: p.Ser7Ter; replaces serine 7 with a stop codon.
Molecular consequence: nonsense.
Genome position (GRCh38, 1-based): chr1:216,422,317, G>C on the plus strand (C>G on the coding strand, the complement: USH2A is on the minus strand). VCF-style: chr1-216422317-G-C. GRCh37 (hg19) VCF-style: chr1-216595659-G-C.
Other names: c.20C>G, p.Ser7Ter (NM_007123.6); short protein forms S7*.
Identifiers: ClinVar variation 2770224 (VCV002770224.3), dbSNP rs2527655909, ClinGen allele CA344905190.